The following is an entry in ClinVar:

ClinVar aggregate classification (germline): Uncertain significance (1 of 4 stars; one submission).

Conditions:
Developmental and epileptic encephalopathy, 54. Also called: HNRNPU-Related Neurodevelopmental Disorder; Epileptic encephalopathy, early infantile, 54. Identifiers: MedGen C4479319, MONDO:0033363, OMIM 617391.

Submission:

Labcorp Genetics (formerly Invitae), Labcorp
Classification: Uncertain significance for Developmental and epileptic encephalopathy, 54. Last evaluated: 2025-03-30. Review status: criteria provided, single submitter. Criteria: Invitae Variant Classification Sherloc (09022015). Collection method: clinical testing. Allele origin: germline.
Comment: This sequence change replaces aspartic acid, which is acidic and polar, with alanine, which is neutral and non-polar, at codon 612 of the HNRNPU protein (p.Asp612Ala). This variant is not present in population databases (gnomAD no frequency). This variant has not been reported in the literature in individuals affected with HNRNPU-related conditions. Invitae Evidence Modeling of protein sequence and biophysical properties (such as structural, functional, and spatial information, amino acid conservation, physicochemical variation, residue mobility, and thermodynamic stability) indicates that this missense variant is not expected to disrupt HNRNPU protein function with a negative predictive value of 95%. In summary, the available evidence is currently insufficient to determine the role of this variant in disease. Therefore, it has been classified as a Variant of Uncertain Significance.

NM_031844.3(HNRNPU):c.1835A>C (p.Asp612Ala)

Gene: HNRNPU (heterogeneous nuclear ribonucleoprotein U; minus strand). Cytogenetic location: 1q44.
Variant type: single nucleotide variant.
Coding change: c.1835A>C on transcript NM_031844.3 (MANE Select); coding-DNA position 1835, A replaced by C.
Protein change: p.Asp612Ala; replaces aspartic acid 612 with alanine.
Molecular consequence: missense variant.
Genome position (GRCh38, 1-based): chr1:244,856,534, T>G on the plus strand (A>C on the coding strand, the complement: HNRNPU is on the minus strand). VCF-style: chr1-244856534-T-G. GRCh37 (hg19) VCF-style: chr1-245019836-T-G.
Other names: c.1778A>C, p.Asp593Ala (NM_004501.3); short protein forms D593A, D612A.
Identifiers: ClinVar variation 4705030 (VCV004705030.1).